The following is an entry in ClinVar:

ClinVar aggregate classification (germline): Benign/Likely benign. Review status: criteria provided, multiple submitters, no conflicts (2 of 4 stars). 7 submissions from 7 submitters: Benign (4); Likely benign (2). 1 of the submissions does not count toward it. Last evaluated 2026-09-01.

Conditions:
Inborn genetic diseases. Identifiers: MedGen C0950123, MeSH D030342.
CARS2-related disorder. Also called: CARS2-related condition.
Combined oxidative phosphorylation defect type 27. Also called: Combined oxidative phosphorylation deficiency 27. Identifiers: Orphanet 477774, MedGen C5567608, MONDO:0014728, OMIM 616672.

Allele frequency attached by ClinVar (database versions not stated): ExAC below 0.00001; gnomAD exomes 0.00025; 1000 Genomes Project 0.00120; 1000 Genomes Project 30x 0.00156; gnomAD 0.00295 and 0.00328; TOPMed 0.00323.
gnomAD v4.1: 765 of 1,406,926 alleles (0.054%); highest among the groups gnomAD compares: African/African-American, 1.1%; 5 homozygotes.

Submissions (7):

CeGaT Center for Human Genetics Tuebingen
Classification: Likely benign. Last evaluated: 2026-09-01. Review status: criteria provided, single submitter. Criteria: CeGaT Center For Human Genetics Tuebingen Variant Classification Criteria Version 2. Collection method: clinical testing. Allele origin: germline. Affected: yes. Observed: 2 variant alleles.
Comment: CARS2: BS1

Labcorp Genetics (formerly Invitae), Labcorp
Classification: Benign for Combined oxidative phosphorylation defect type 27. Last evaluated: 2026-01-28. Review status: criteria provided, single submitter. Criteria: Invitae Variant Classification Sherloc (09022015). Collection method: clinical testing. Allele origin: germline.

Mayo Clinic Laboratories, Mayo Clinic
Classification: Benign. Last evaluated: 2024-08-05. Review status: criteria provided, single submitter. Criteria: ACMG Guidelines, 2015. Collection method: clinical testing. Allele origin: germline. Observed: 2 variant alleles.
Comment: BS1, BS2, BP4_moderate

Ambry Genetics
Classification: Likely benign for Inborn genetic diseases. Last evaluated: 2023-02-17. Review status: criteria provided, single submitter. Criteria: Ambry Variant Classification Scheme 2023. Collection method: clinical testing. Allele origin: germline.

GeneDx
Classification: Benign. Last evaluated: 2020-04-23. Review status: criteria provided, single submitter. Criteria: GeneDx Variant Classification Process June 2021. Collection method: clinical testing. Allele origin: germline. Affected: yes.

Breakthrough Genomics
Classification: Benign. Review status: criteria provided, single submitter. Criteria: ACMG Guidelines, 2015. Collection method: not provided. Allele origin: germline. Inheritance: Autosomal recessive inheritance. Affected: yes.

PreventionGenetics, part of Exact Sciences
Classification: Benign for CARS2-related condition. Last evaluated: 2024-05-14. Review status: no assertion criteria provided. Collection method: clinical testing. Allele origin: germline. Not counted in ClinVar's aggregate classification.
Comment: This variant is classified as benign based on ACMG/AMP sequence variant interpretation guidelines (Richards et al. 2015 PMID: 25741868, with internal and published modifications).

NM_024537.4(CARS2):c.64G>A (p.Gly22Arg)

Genes: CARS2 (cysteinyl-tRNA synthetase 2, mitochondrial; minus strand), LOC130010127 (ATAC-STARR-seq lymphoblastoid silent region 5509; plus strand). Cytogenetic location: 13q34.
Variant type: single nucleotide variant.
Coding change: c.64G>A on transcript NM_024537.4 (MANE Select); coding-DNA position 64, G replaced by A.
Protein change: p.Gly22Arg; replaces glycine 22 with arginine.
Molecular consequence: missense variant. On other transcripts: non-coding transcript variant (1), intron variant (1).
Genome position (GRCh38, 1-based): chr13:110,706,030, C>T on the plus strand (G>A on the coding strand, the complement: CARS2 is on the minus strand). VCF-style: chr13-110706030-C-T. GRCh37 (hg19) VCF-style: chr13-111358377-C-T.
Other names: p.Gly22Arg; c.64G>A, p.Gly22Arg (NM_001352253.3); c.-776+341G>A (NM_001352252.2); short protein forms G22R.
Identifiers: ClinVar variation 475633 (VCV000475633.24), dbSNP rs534818713, ClinGen allele CA7052407.